The following is an entry in ClinVar:

ClinVar aggregate classification (germline): Uncertain significance (1 of 4 stars; one submission).

Submission:

GeneDx
Classification: Uncertain significance. Last evaluated: 2019-03-26. Review status: criteria provided, single submitter. Criteria: GeneDx Variant Classification Process June 2021. Collection method: clinical testing. Allele origin: germline. Affected: yes.
Comment: Not observed in large population cohorts (Lek et al., 2016); In silico analysis, which includes protein predictors and evolutionary conservation, supports a deleterious effect

NM_006946.4(SPTBN2):c.833A>C (p.His278Pro)

Gene: SPTBN2 (spectrin beta, non-erythrocytic 2; minus strand). Cytogenetic location: 11q13.2.
Variant type: single nucleotide variant.
Coding change: c.833A>C on transcript NM_006946.4 (MANE Select); coding-DNA position 833, A replaced by C.
Protein change: p.His278Pro; replaces histidine 278 with proline.
Molecular consequence: missense variant.
Genome position (GRCh38, 1-based): chr11:66,710,969, T>G on the plus strand (A>C on the coding strand, the complement: SPTBN2 is on the minus strand). VCF-style: chr11-66710969-T-G. GRCh37 (hg19) VCF-style: chr11-66478440-T-G.
Other names: short protein forms H278P.
Identifiers: ClinVar variation 1302554 (VCV001302554.2), dbSNP rs2135491194, ClinGen allele CA381482710.
Genomic context (GRCh38, chr11:66,710,969, plus strand): 5'-GACAGTACCTTGCCAATTCTCTTGCCTTCCACGGCCAGGGCCTTCATCTTGGAGAAGTAA[T>G]GGTAGTAAGTAGCCACATAGGTAATGATTGACTTCTCATCTGGCTGGTCCACATTCACGT-3'
Protein context (NP_008877.2, residues 268-288): SIITYVATYY[His278Pro]YFSKMKALAV